The following is an entry in ClinVar:

ClinVar aggregate classification (germline): Uncertain significance. Review status: criteria provided, multiple submitters, no conflicts (2 of 4 stars). 2 submissions from 2 submitters: Uncertain significance (2). Last evaluated 2025-08-11.

Conditions:
Inborn genetic diseases. Identifiers: MedGen C0950123, MeSH D030342.

Allele frequency attached by ClinVar (database versions not stated): ExAC 0.00005; gnomAD 0.00008 and 0.00009; gnomAD exomes 0.00010; TOPMed 0.00011.
gnomAD v4.1: 377 of 1,613,918 alleles (0.023%); highest among the groups gnomAD compares: Non-Finnish European, 0.03%; no homozygotes.

Submissions (2):

Ambry Genetics
Classification: Uncertain significance for Inborn genetic diseases. Last evaluated: 2025-08-11. Review status: criteria provided, single submitter. Criteria: Ambry Variant Classification Scheme 2023. Collection method: clinical testing. Allele origin: germline.

Labcorp Genetics (formerly Invitae), Labcorp
Classification: Uncertain significance. Last evaluated: 2022-06-13. Review status: criteria provided, single submitter. Criteria: Invitae Variant Classification Sherloc (09022015). Collection method: clinical testing. Allele origin: germline.
Comment: This sequence change replaces glycine, which is neutral and non-polar, with alanine, which is neutral and non-polar, at codon 550 of the SLC26A3 protein (p.Gly550Ala). This variant is present in population databases (rs201414043, gnomAD 0.02%). This variant has not been reported in the literature in individuals affected with SLC26A3-related conditions. ClinVar contains an entry for this variant (Variation ID: 1043767). Advanced modeling of protein sequence and biophysical properties (such as structural, functional, and spatial information, amino acid conservation, physicochemical variation, residue mobility, and thermodynamic stability) performed at Invitae indicates that this missense variant is not expected to disrupt SLC26A3 protein function. In summary, the available evidence is currently insufficient to determine the role of this variant in disease. Therefore, it has been classified as a Variant of Uncertain Significance.

NM_000111.3(SLC26A3):c.1649G>C (p.Gly550Ala)

Gene: SLC26A3 (solute carrier family 26 member 3; minus strand). Cytogenetic location: 7q22.3.
Variant type: single nucleotide variant.
Coding change: c.1649G>C on transcript NM_000111.3 (MANE Select); coding-DNA position 1649, G replaced by C.
Protein change: p.Gly550Ala; replaces glycine 550 with alanine.
Molecular consequence: missense variant.
Genome position (GRCh38, 1-based): chr7:107,776,480, C>G on the plus strand (G>C on the coding strand, the complement: SLC26A3 is on the minus strand). VCF-style: chr7-107776480-C-G. GRCh37 (hg19) VCF-style: chr7-107416925-C-G.
Other names: c.1649G>C (NM_000111.2); short protein forms G550A.
Identifiers: ClinVar variation 1043767 (VCV001043767.8), dbSNP rs201414043, ClinGen allele CA4433757.